The following is an entry in ClinVar:

NM_000143.4(FH):c.1493A>G (p.Asp498Gly)

Gene: FH (fumarate hydratase; minus strand). Cytogenetic location: 1q43.
Variant type: single nucleotide variant.
Coding change: c.1493A>G on transcript NM_000143.4 (MANE Select); coding-DNA position 1493, A replaced by G.
Protein change: p.Asp498Gly; replaces aspartic acid 498 with glycine.
Molecular consequence: missense variant.
Genome position (GRCh38, 1-based): chr1:241,497,868, T>C on the plus strand (A>G on the coding strand, the complement: FH is on the minus strand). VCF-style: chr1-241497868-T-C. GRCh37 (hg19) VCF-style: chr1-241661168-T-C.
Other names: short protein forms D498G.
Identifiers: ClinVar variation 2675685 (VCV002675685.5), dbSNP rs2527308365, ClinGen allele CA345450295.

ClinVar aggregate classification (germline): Uncertain significance. Review status: criteria provided, multiple submitters, no conflicts (2 of 4 stars). 3 submissions from 3 submitters: Uncertain significance (3). Last evaluated 2026-05-14.

Conditions:
Hereditary cancer-predisposing syndrome. Also called: Tumor predisposition; Hereditary neoplastic syndrome; Neoplastic Syndromes, Hereditary; Hereditary Cancer Syndrome. Identifiers: Orphanet 140162, MedGen C0027672, MeSH D009386, MONDO:0015356.
Fumarase deficiency (FMRD). Also called: Fumaric aciduria; Fumarate Hydratase Deficiency. Identifiers: Orphanet 24, MedGen C0342770, MONDO:0011730, OMIM 606812.

Allele frequency attached by ClinVar (database versions not stated): gnomAD exomes below 0.00001.
gnomAD v4.1: 2 of 1,612,840 alleles (0.00012%); highest among the groups gnomAD compares: Non-Finnish European, 0.00017%; no homozygotes.

Submissions (3):

Ambry Genetics
Classification: Uncertain significance for Hereditary cancer-predisposing syndrome. Last evaluated: 2026-05-14. Review status: criteria provided, single submitter. Criteria: Ambry Variant Classification Scheme 2023. Collection method: clinical testing. Allele origin: germline.
Comment: The p.D498G variant (also known as c.1493A>G), located in coding exon 10 of the FH gene, results from an A to G substitution at nucleotide position 1493. The aspartic acid at codon 498 is replaced by glycine, an amino acid with similar properties. This amino acid position is conserved. In addition, this alteration is predicted to be deleterious by in silico analysis. Based on the available evidence, the clinical significance of this variant remains unclear.

Labcorp Genetics (formerly Invitae), Labcorp
Classification: Uncertain significance. Last evaluated: 2024-11-11. Review status: criteria provided, single submitter. Criteria: Invitae Variant Classification Sherloc (09022015). Collection method: clinical testing. Allele origin: germline.
Comment: This sequence change replaces aspartic acid, which is acidic and polar, with glycine, which is neutral and non-polar, at codon 498 of the FH protein (p.Asp498Gly). This variant is not present in population databases (gnomAD no frequency). This variant has not been reported in the literature in individuals affected with FH-related conditions. ClinVar contains an entry for this variant (Variation ID: 2675685). Invitae Evidence Modeling of protein sequence and biophysical properties (such as structural, functional, and spatial information, amino acid conservation, physicochemical variation, residue mobility, and thermodynamic stability) indicates that this missense variant is expected to disrupt FH protein function with a positive predictive value of 95%. In summary, the available evidence is currently insufficient to determine the role of this variant in disease. Therefore, it has been classified as a Variant of Uncertain Significance.

Baylor Genetics
Classification: Uncertain significance for Fumarase deficiency. Last evaluated: 2023-06-23. Review status: criteria provided, single submitter. Criteria: ACMG Guidelines, 2015. Collection method: clinical testing. Allele origin: unknown.